The following is an entry in ClinVar:

NM_001042492.3(NF1):c.988G>C (p.Ala330Pro)

Gene: NF1 (neurofibromin 1; plus strand). Cytogenetic location: 17q11.2.
Variant type: single nucleotide variant.
Coding change: c.988G>C on transcript NM_001042492.3 (MANE Select); coding-DNA position 988, G replaced by C.
Protein change: p.Ala330Pro; replaces alanine 330 with proline.
Molecular consequence: missense variant.
Genome position (GRCh38, 1-based): chr17:31,200,521, G>C. VCF-style: chr17-31200521-G-C. GRCh37 (hg19) VCF-style: chr17-29527539-G-C.
Other names: c.988G>C, p.Ala330Pro (NM_000267.4, NM_001128147.3); short protein forms A330P.
Identifiers: ClinVar variation 404605 (VCV000404605.8), dbSNP rs199474767, ClinGen allele CA16615153.

ClinVar aggregate classification (germline): Conflicting classifications of pathogenicity. Review status: criteria provided, conflicting classifications (1 of 4 stars). 2 submissions from 2 submitters: Pathogenic (1); Uncertain significance (1). Last evaluated 2023-01-04.

Conditions:
Neurofibromatosis, type 1 (NF1). Also called: Neurofibromatosis, type I; NEUROFIBROMATOSIS, TYPE I, SOMATIC; Peripheral type neurofibromatosis; VON RECKLINGHAUSEN DISEASE. Identifiers: Orphanet 636, MedGen C0027831, MONDO:0018975, OMIM 162200. Disease mechanism: loss of function.

Submissions (2):

GeneDx
Classification: Uncertain significance. Last evaluated: 2023-01-04. Review status: criteria provided, single submitter. Criteria: GeneDx Variant Classification Process June 2021. Collection method: clinical testing. Allele origin: germline. Affected: yes.
Comment: Not observed at significant frequency in large population cohorts (gnomAD); In silico analysis supports that this missense variant has a deleterious effect on protein structure/function; This variant is associated with the following publications: (PMID: 27322474)

Labcorp Genetics (formerly Invitae), Labcorp
Classification: Pathogenic for Neurofibromatosis, type 1. Last evaluated: 2020-01-03. Review status: criteria provided, single submitter. Criteria: Invitae Variant Classification Sherloc (09022015). Collection method: clinical testing. Allele origin: germline.
Comment: This variant is not present in population databases (ExAC no frequency). This variant has been reported in an individual affected with neurofibromatosis type 1 (PMID: 27322474). ClinVar contains an entry for this variant (Variation ID: 404605). This sequence change replaces alanine with proline at codon 330 of the NF1 protein (p.Ala330Pro). The alanine residue is highly conserved and there is a small physicochemical difference between alanine and proline. For these reasons, this variant has been classified as Pathogenic. This variant disrupts the p.Ala330 amino acid residue in NF1. Other variant(s) that disrupt this residue have been determined to be pathogenic (PMID: 17311297, 23913538, 23758643). This suggests that this residue is clinically significant, and that variants that disrupt this residue are likely to be disease-causing. Advanced modeling of protein sequence and biophysical properties (such as structural, functional, and spatial information, amino acid conservation, physicochemical variation, residue mobility, and thermodynamic stability) performed at Invitae indicates that this missense variant is expected to disrupt NF1 protein function.

Literature cited by the submitters: PubMed 27322474 (cited by Labcorp Genetics (formerly Invitae), Labcorp); PubMed 17311297 (cited by Labcorp Genetics (formerly Invitae), Labcorp); PubMed 23913538 (cited by Labcorp Genetics (formerly Invitae), Labcorp); PubMed 23758643 (cited by Labcorp Genetics (formerly Invitae), Labcorp).